The following is an entry in ClinVar:

NM_000322.5(PRPH2):c.38G>A (p.Arg13Gln)

Gene: PRPH2 (peripherin 2; minus strand). Cytogenetic location: 6p21.1.
Variant type: single nucleotide variant.
Coding change: c.38G>A on transcript NM_000322.5 (MANE Select); coding-DNA position 38, G replaced by A.
Protein change: p.Arg13Gln; replaces arginine 13 with glutamine.
Molecular consequence: missense variant.
Genome position (GRCh38, 1-based): chr6:42,722,297, C>T on the plus strand (G>A on the coding strand, the complement: PRPH2 is on the minus strand). VCF-style: chr6-42722297-C-T. GRCh37 (hg19) VCF-style: chr6-42690035-C-T.
Other names: short protein forms R13Q.
Identifiers: ClinVar variation 1175238 (VCV001175238.1), dbSNP rs745427463, ClinGen allele CA3808676.
Genomic context (GRCh38, chr6:42,722,297, plus strand): 5'-ATGATGCCAGCCAACACGGAGAACCAGTTCATGAGCCAGAGCCCTTGGGCCAACTTGACC[C>T]GCTTCTTCTGGTCAAACTTGACTTTCAGTAGCGCCATGCTTGCCAAGTGTAGTCCGGGTT-3'
Protein context (NP_000313.2, residues 3-23): LLKVKFDQKK[Arg13Gln]VKLAQGLWLM

ClinVar aggregate classification (germline): Likely pathogenic (0 of 4 stars; one submission).

Allele frequency attached by ClinVar (database versions not stated): ExAC 0.00001; gnomAD exomes 0.00001.
gnomAD v4.1: 11 of 1,614,078 alleles (0.00068%); highest among the groups gnomAD compares: Admixed American, 0.0033%; no homozygotes.

Submission:

Leiden Open Variation Database
Classification: Likely pathogenic. Last evaluated: 2021-04-06. Review status: no assertion criteria provided. Collection method: curation. Allele origin: germline. Affected: yes.
Comment: Curator: Global Variome, with Curator vacancy. Submitter to LOVD: Manon Peeters.

Literature cited by the submitters: PubMed 26747767.